The following is an entry in ClinVar:

ClinVar aggregate classification (germline): Uncertain significance. Review status: criteria provided, multiple submitters, no conflicts (2 of 4 stars). 2 submissions from 2 submitters: Uncertain significance (2). Last evaluated 2022-07-14.

gnomAD v4.1: 13 of 1,614,112 alleles (0.00081%); highest among the groups gnomAD compares: Non-Finnish European, 0.0011%; no homozygotes.

Submissions (2):

Labcorp Genetics (formerly Invitae), Labcorp
Classification: Uncertain significance. Last evaluated: 2022-07-14. Review status: criteria provided, single submitter. Criteria: Invitae Variant Classification Sherloc (09022015). Collection method: clinical testing. Allele origin: germline.
Comment: This sequence change replaces arginine, which is basic and polar, with leucine, which is neutral and non-polar, at codon 155 of the CAPN5 protein (p.Arg155Leu). This variant is present in population databases (no rsID available, gnomAD 0.0009%). This variant has not been reported in the literature in individuals affected with CAPN5-related conditions. Algorithms developed to predict the effect of missense changes on protein structure and function are either unavailable or do not agree on the potential impact of this missense change (SIFT: "Deleterious"; PolyPhen-2: "Benign"; Align-GVGD: "Class C0"). In summary, the available evidence is currently insufficient to determine the role of this variant in disease. Therefore, it has been classified as a Variant of Uncertain Significance.

Blueprint Genetics
Classification: Uncertain significance. Last evaluated: 2021-03-03. Review status: criteria provided, single submitter. Criteria: ACMG Guidelines, 2015. Collection method: clinical testing. Allele origin: germline.

NM_004055.5(CAPN5):c.464G>T (p.Arg155Leu)

Gene: CAPN5 (calpain 5; plus strand). Cytogenetic location: 11q13.5.
Variant type: single nucleotide variant.
Coding change: c.464G>T on transcript NM_004055.5 (MANE Select); coding-DNA position 464, G replaced by T.
Protein change: p.Arg155Leu; replaces arginine 155 with leucine.
Molecular consequence: missense variant.
Genome position (GRCh38, 1-based): chr11:77,112,755, G>T. VCF-style: chr11-77112755-G-T. GRCh37 (hg19) VCF-style: chr11-76823801-G-T.
Other names: short protein forms R155L.
Identifiers: ClinVar variation 1925387 (VCV001925387.6), dbSNP rs140079181, ClinGen allele CA381937344.